The following is an entry in ClinVar:

NM_002471.4(MYH6):c.2822A>G (p.Lys941Arg)

Gene: MYH6 (myosin heavy chain 6; minus strand). Cytogenetic location: 14q11.2.
Variant type: single nucleotide variant.
Coding change: c.2822A>G on transcript NM_002471.4 (MANE Select); coding-DNA position 2822, A replaced by G.
Protein change: p.Lys941Arg; replaces lysine 941 with arginine.
Molecular consequence: missense variant.
Genome position (GRCh38, 1-based): chr14:23,393,772, T>C on the plus strand (A>G on the coding strand, the complement: MYH6 is on the minus strand). VCF-style: chr14-23393772-T-C. GRCh37 (hg19) VCF-style: chr14-23862981-T-C.
Other names: short protein forms K941R.
Identifiers: ClinVar variation 1796460 (VCV001796460.2), dbSNP rs2502170424, ClinGen allele CA389012389.

ClinVar aggregate classification (germline): Uncertain significance (1 of 4 stars; one submission).

Conditions:
Cardiovascular phenotype. Identifiers: MedGen CN230736.

Submission:

Ambry Genetics
Classification: Uncertain significance for Cardiovascular phenotype. Last evaluated: 2022-07-25. Review status: criteria provided, single submitter. Criteria: Ambry Variant Classification Scheme 2023. Collection method: clinical testing. Allele origin: germline.
Comment: The p.K941R variant (also known as c.2822A>G), located in coding exon 20 of the MYH6 gene, results from an A to G substitution at nucleotide position 2822. The lysine at codon 941 is replaced by arginine, an amino acid with highly similar properties. This amino acid position is conserved. In addition, this alteration is predicted to be tolerated by in silico analysis. Since supporting evidence is limited at this time, the clinical significance of this alteration remains unclear.